The following is an entry in ClinVar:

ClinVar aggregate classification (germline): Uncertain significance (1 of 4 stars; one submission).

Conditions:
NOTCH2-related disorder. Also called: NOTCH2-related condition.

Submission:

PreventionGenetics, part of Exact Sciences
Classification: Uncertain significance for NOTCH2-related condition. Last evaluated: 2022-09-13. Review status: criteria provided, single submitter. Criteria: ACMG Guidelines, 2015. Collection method: clinical testing. Allele origin: germline.
Comment: The NOTCH2 c.4099T>G variant is predicted to result in the amino acid substitution p.Phe1367Val. To our knowledge, this variant has not been reported in the literature or in a large population database, indicating this variant is rare. At this time, the clinical significance of this variant is uncertain due to the absence of conclusive functional and genetic evidence.

NM_024408.4(NOTCH2):c.4099T>G (p.Phe1367Val)

Gene: NOTCH2 (notch receptor 2; minus strand). Cytogenetic location: 1p12.
Variant type: single nucleotide variant.
Coding change: c.4099T>G on transcript NM_024408.4 (MANE Select); coding-DNA position 4099, T replaced by G.
Protein change: p.Phe1367Val; replaces phenylalanine 1367 with valine.
Molecular consequence: missense variant.
Genome position (GRCh38, 1-based): chr1:119,925,717, A>C on the plus strand (T>G on the coding strand, the complement: NOTCH2 is on the minus strand). VCF-style: chr1-119925717-A-C. GRCh37 (hg19) VCF-style: chr1-120468340-A-C.
Other names: short protein forms F1367V.
Identifiers: ClinVar variation 2628445 (VCV002628445.1), dbSNP rs2101163072, ClinGen allele CA341890907.